The following is an entry in ClinVar:

NM_001035.3(RYR2):c.3703G>A (p.Gly1235Ser)

Gene: RYR2 (ryanodine receptor 2; plus strand). Cytogenetic location: 1q43.
Variant type: single nucleotide variant.
Coding change: c.3703G>A on transcript NM_001035.3 (MANE Select); coding-DNA position 3703, G replaced by A.
Protein change: p.Gly1235Ser; replaces glycine 1235 with serine.
Molecular consequence: missense variant.
Genome position (GRCh38, 1-based): chr1:237,589,897, G>A. VCF-style: chr1-237589897-G-A. GRCh37 (hg19) VCF-style: chr1-237753197-G-A.
Other names: short protein forms G1235S.
Identifiers: ClinVar variation 3072838 (VCV003072838.1), dbSNP rs2546606803, ClinGen allele CA345396356.

ClinVar aggregate classification (germline): Uncertain significance (1 of 4 stars; one submission).

Conditions:
Catecholaminergic polymorphic ventricular tachycardia (CVPT). Also called: Catecholamine-induced polymorphic ventricular tachycardia. Identifiers: Orphanet 3286, MedGen C5574922, MONDO:0017990.

Submission:

All of Us Research Program, National Institutes of Health
Classification: Uncertain significance for Catecholaminergic polymorphic ventricular tachycardia. Last evaluated: 2023-08-15. Review status: criteria provided, single submitter. Criteria: ACMG Guidelines, 2015. Collection method: clinical testing. Allele origin: germline. Inheritance: Autosomal dominant inheritance. Observed: 1 variant allele, 1 heterozygote.
Comment: This study involves interpretation of variants in research participants for the purpose of population health screening. Participant phenotype was not available at the time of variant classification. Additional details can be found in publication PMID: 35346344, PMCID: PMC8962531